The following is an entry in ClinVar:

ClinVar aggregate classification (germline): Uncertain significance (0 of 4 stars; one submission).

Conditions:
CFAP52-related disorder. Also called: CFAP52-related condition.

gnomAD v4.1: 1 of 1,613,806 alleles (0.000062%); highest among the groups gnomAD compares: Non-Finnish European, 0.000085%; no homozygotes.

Submission:

PreventionGenetics, part of Exact Sciences
Classification: Uncertain significance for CFAP52-related condition. Last evaluated: 2024-07-10. Review status: no assertion criteria provided. Collection method: clinical testing. Allele origin: germline.
Comment: The CFAP52 c.179T>G variant is predicted to result in the amino acid substitution p.Leu60Arg. To our knowledge, this variant has not been reported in the literature or in a large population database, indicating this variant is rare. At this time, the clinical significance of this variant is uncertain due to the absence of conclusive functional and genetic evidence.

NM_145054.5(CFAP52):c.179T>G (p.Leu60Arg)

Gene: CFAP52 (cilia and flagella associated protein 52; plus strand). Cytogenetic location: 17p13.1.
Variant type: single nucleotide variant.
Coding change: c.179T>G on transcript NM_145054.5 (MANE Select); coding-DNA position 179, T replaced by G.
Protein change: p.Leu60Arg; replaces leucine 60 with arginine.
Molecular consequence: missense variant. On other transcripts: intron variant (1).
Genome position (GRCh38, 1-based): chr17:9,585,881, T>G. VCF-style: chr17-9585881-T-G. GRCh37 (hg19) VCF-style: chr17-9489198-T-G.
Other names: c.71-821T>G (NM_001080556.2); short protein forms L60R.
Identifiers: ClinVar variation 3353549 (VCV003353549.1).